The following is an entry in ClinVar:

ClinVar aggregate classification (germline): Uncertain significance (1 of 4 stars; one submission).

Conditions:
Left ventricular noncompaction 8 (LVNC8). Identifiers: Orphanet 154, Orphanet 54260, MedGen C3809288, MONDO:0014152, OMIM 615373.

Allele frequency attached by ClinVar (database versions not stated): gnomAD 0.00001; gnomAD exomes 0.00001; TOPMed 0.00001.

Submission:

Labcorp Genetics (formerly Invitae), Labcorp
Classification: Uncertain significance for Left ventricular noncompaction 8. Last evaluated: 2022-08-23. Review status: criteria provided, single submitter. Criteria: Invitae Variant Classification Sherloc (09022015). Collection method: clinical testing. Allele origin: germline.
Comment: In summary, the available evidence is currently insufficient to determine the role of this variant in disease. Therefore, it has been classified as a Variant of Uncertain Significance. Algorithms developed to predict the effect of missense changes on protein structure and function are either unavailable or do not agree on the potential impact of this missense change (SIFT: "Deleterious"; PolyPhen-2: "Probably Damaging"; Align-GVGD: "Class C0"). ClinVar contains an entry for this variant (Variation ID: 935078). This variant has not been reported in the literature in individuals affected with PRDM16-related conditions. This variant is present in population databases (no rsID available, gnomAD 0.007%). This sequence change replaces glycine, which is neutral and non-polar, with glutamic acid, which is acidic and polar, at codon 93 of the PRDM16 protein (p.Gly93Glu).

NM_022114.4(PRDM16):c.278G>A (p.Gly93Glu)

Gene: PRDM16 (PR/SET domain 16; plus strand). Cytogenetic location: 1p36.32.
Variant type: single nucleotide variant.
Coding change: c.278G>A on transcript NM_022114.4 (MANE Select); coding-DNA position 278, G replaced by A.
Protein change: p.Gly93Glu; replaces glycine 93 with glutamic acid.
Molecular consequence: missense variant.
Genome position (GRCh38, 1-based): chr1:3,186,365, G>A. VCF-style: chr1-3186365-G-A. GRCh37 (hg19) VCF-style: chr1-3102929-G-A.
Other names: c.278G>A, p.Gly93Glu (NM_199454.3); short protein forms G93E.
Identifiers: ClinVar variation 935078 (VCV000935078.8), dbSNP rs1447130590, ClinGen allele CA338215763.